The following is an entry in ClinVar:

NM_006231.4(POLE):c.2812C>T (p.Leu938Phe)

Gene: POLE (DNA polymerase epsilon, catalytic subunit; minus strand). Cytogenetic location: 12q24.33.
Variant type: single nucleotide variant.
Coding change: c.2812C>T on transcript NM_006231.4 (MANE Select); coding-DNA position 2812, C replaced by T.
Protein change: p.Leu938Phe; replaces leucine 938 with phenylalanine.
Molecular consequence: missense variant.
Genome position (GRCh38, 1-based): chr12:132,661,579, G>A on the plus strand (C>T on the coding strand, the complement: POLE is on the minus strand). VCF-style: chr12-132661579-G-A. GRCh37 (hg19) VCF-style: chr12-133238165-G-A.
Other names: short protein forms L938F.
Identifiers: ClinVar variation 651060 (VCV000651060.13), dbSNP rs773475133, ClinGen allele CA6893443.
Genomic context (GRCh38, chr12:132,661,579, plus strand): 5'-AGTCCCACCTCTTCTTCAATTTCTTGCCTTCTTCCTTGGAGGCTGGAAGAATCATGGCAA[G>A]GTAGGGCCCATCAACCTCAAAAAAGATGCTGTTCTCTGAGCGGGTGACGTAGGTGAGTGA-3'
Protein context (NP_006222.2, residues 928-948): SIFFEVDGPY[Leu938Phe]AMILPASKEE

ClinVar aggregate classification (germline): Uncertain significance. Review status: criteria provided, multiple submitters, no conflicts (2 of 4 stars). 3 submissions from 3 submitters: Uncertain significance (3). Last evaluated 2025-08-24.

Conditions:
Hereditary cancer-predisposing syndrome. Also called: Hereditary neoplastic syndrome; Tumor predisposition; Hereditary Cancer Syndrome; Neoplastic Syndromes, Hereditary. Identifiers: Orphanet 140162, MedGen C0027672, MeSH D009386, MONDO:0015356.
POLD1-related polyposis and colorectal cancer syndrome (CRCS10). Also called: Colorectal cancer, susceptibility to, 10; Colorectal cancer 10; COLORECTAL CANCER, SUSCEPTIBILITY TO, ON CHROMOSOME 19q. Identifiers: Orphanet 220460, MedGen C2675481, MONDO:0012953, OMIM 612591.

Allele frequency attached by ClinVar (database versions not stated): gnomAD exomes below 0.00001 and 0.00002; ExAC 0.00001.
gnomAD v4.1: 28 of 1,614,210 alleles (0.0017%); highest among the groups gnomAD compares: Non-Finnish European, 0.0023%; no homozygotes.

Submissions (3):

Labcorp Genetics (formerly Invitae), Labcorp
Classification: Uncertain significance. Last evaluated: 2025-08-24. Review status: criteria provided, single submitter. Criteria: Invitae Variant Classification Sherloc (09022015). Collection method: clinical testing. Allele origin: germline.
Comment: This sequence change replaces leucine, which is neutral and non-polar, with phenylalanine, which is neutral and non-polar, at codon 938 of the POLE protein (p.Leu938Phe). This variant is present in population databases (rs773475133, gnomAD 0.0009%). This variant has not been reported in the literature in individuals affected with POLE-related conditions. ClinVar contains an entry for this variant (Variation ID: 651060). Invitae Evidence Modeling of protein sequence and biophysical properties (such as structural, functional, and spatial information, amino acid conservation, physicochemical variation, residue mobility, and thermodynamic stability) indicates that this missense variant is expected to disrupt POLE protein function with a positive predictive value of 80%. In summary, the available evidence is currently insufficient to determine the role of this variant in disease. Therefore, it has been classified as a Variant of Uncertain Significance.

Ambry Genetics
Classification: Uncertain significance for Hereditary cancer-predisposing syndrome. Last evaluated: 2024-04-12. Review status: criteria provided, single submitter. Criteria: Ambry Variant Classification Scheme 2023. Collection method: clinical testing. Allele origin: germline.
Comment: The p.L938F variant (also known as c.2812C>T), located in coding exon 24 of the POLE gene, results from a C to T substitution at nucleotide position 2812. The leucine at codon 938 is replaced by phenylalanine, an amino acid with highly similar properties. This amino acid position is conserved. In addition, the in silico prediction for this alteration is inconclusive. Since supporting evidence is limited at this time, the clinical significance of this alteration remains unclear.

Molecular Pathology, Peter Maccallum Cancer Centre
Classification: Uncertain significance for POLD1-related polyposis and colorectal cancer syndrome. Last evaluated: 2024-03-04. Review status: criteria provided, single submitter. Criteria: ACMG Guidelines, 2015. Collection method: clinical testing. Allele origin: germline. Inheritance: Autosomal dominant inheritance.